The following is an entry in ClinVar:

ClinVar aggregate classification (germline): Likely benign (1 of 4 stars; one submission).

Submission:

CeGaT Center for Human Genetics Tuebingen
Classification: Likely benign. Last evaluated: 2025-03-01. Review status: criteria provided, single submitter. Criteria: CeGaT Center For Human Genetics Tuebingen Variant Classification Criteria Version 2. Collection method: clinical testing. Allele origin: germline. Affected: yes. Observed: 1 variant allele.
Comment: NBPF14: BP4, BS2

NM_001395631.1(NBPF14):c.8751A>T (p.Glu2917Asp)

Gene: NBPF14 (NBPF member 14; minus strand). Cytogenetic location: 1q21.2.
Variant type: single nucleotide variant.
Coding change: c.8751A>T on transcript NM_001395631.1 (MANE Select); coding-DNA position 8751, A replaced by T.
Protein change: p.Glu2917Asp; replaces glutamic acid 2917 with aspartic acid.
Molecular consequence: missense variant.
Genome position (GRCh38, 1-based): chr1:148,533,221, T>A on the plus strand (A>T on the coding strand, the complement: NBPF14 is on the minus strand). VCF-style: chr1-148533221-T-A. GRCh37 (hg19) VCF-style: chr1-148004764-T-A.
Other names: c.8244A>T, p.Glu2748Asp (NM_015383.2); short protein forms E2748D, E2917D.
Identifiers: ClinVar variation 3777973 (VCV003777973.7).